The following is an entry in ClinVar:

ClinVar aggregate classification (germline): Uncertain significance. Review status: criteria provided, multiple submitters, no conflicts (2 of 4 stars). 2 submissions from 2 submitters: Uncertain significance (2). Last evaluated 2025-06-04.

Allele frequency attached by ClinVar (database versions not stated): ESP Exome Variant Server 0.00008.
gnomAD v4.1: 63 of 1,564,630 alleles (0.004%); highest among the groups gnomAD compares: South Asian, 0.026%; 1 homozygote.

Submissions (2):

Ambry Genetics
Classification: Uncertain significance. Last evaluated: 2025-06-04. Review status: criteria provided, single submitter. Criteria: Ambry Variant Classification Scheme 2023. Collection method: clinical testing. Allele origin: germline.

Labcorp Genetics (formerly Invitae), Labcorp
Classification: Uncertain significance. Last evaluated: 2022-05-25. Review status: criteria provided, single submitter. Criteria: Invitae Variant Classification Sherloc (09022015). Collection method: clinical testing. Allele origin: germline.
Comment: This sequence change replaces aspartic acid, which is acidic and polar, with asparagine, which is neutral and polar, at codon 64 of the IFNAR1 protein (p.Asp64Asn). This variant is present in population databases (rs142438988, gnomAD 0.02%). This variant has not been reported in the literature in individuals affected with IFNAR1-related conditions. Algorithms developed to predict the effect of missense changes on protein structure and function are either unavailable or do not agree on the potential impact of this missense change (SIFT: "Tolerated"; PolyPhen-2: "Possibly Damaging"; Align-GVGD: "Class C0"). In summary, the available evidence is currently insufficient to determine the role of this variant in disease. Therefore, it has been classified as a Variant of Uncertain Significance.

NM_000629.3(IFNAR1):c.190G>A (p.Asp64Asn)

Gene: IFNAR1 (interferon alpha and beta receptor subunit 1; plus strand). Cytogenetic location: 21q22.11.
Variant type: single nucleotide variant.
Coding change: c.190G>A on transcript NM_000629.3 (MANE Select); coding-DNA position 190, G replaced by A.
Protein change: p.Asp64Asn; replaces aspartic acid 64 with asparagine.
Molecular consequence: missense variant. On other transcripts: 5 prime UTR variant (3).
Genome position (GRCh38, 1-based): chr21:33,335,637, G>A. VCF-style: chr21-33335637-G-A. GRCh37 (hg19) VCF-style: chr21-34707943-G-A.
Other names: c.190G>A, p.Asp64Asn (NM_001384498.1, NM_001384499.1, NM_001384501.1 and 1 more transcripts); c.-597G>A (NM_001384500.1); c.-194G>A (NM_001384502.1); c.-18G>A (NM_001384504.1); c.190G>A (NM_000629.2); short protein forms D64N.
Identifiers: ClinVar variation 1398350 (VCV001398350.7), dbSNP rs142438988, ClinGen allele CA10006408.